The following is an entry in ClinVar:

ClinVar aggregate classification (germline): Uncertain significance (1 of 4 stars; one submission).

Submission:

Labcorp Genetics (formerly Invitae), Labcorp
Classification: Uncertain significance. Last evaluated: 2025-12-03. Review status: criteria provided, single submitter. Criteria: Invitae Variant Classification Sherloc (09022015). Collection method: clinical testing. Allele origin: germline.
Comment: This sequence change replaces alanine, which is neutral and non-polar, with threonine, which is neutral and polar, at codon 418 of the SLC12A6 protein (p.Ala418Thr). This variant is not present in population databases (gnomAD no frequency). This variant has not been reported in the literature in individuals affected with SLC12A6-related conditions. Invitae Evidence Modeling of protein sequence and biophysical properties (such as structural, functional, and spatial information, amino acid conservation, physicochemical variation, residue mobility, and thermodynamic stability) indicates that this missense variant is not expected to disrupt SLC12A6 protein function with a negative predictive value of 80%. In summary, the available evidence is currently insufficient to determine the role of this variant in disease. Therefore, it has been classified as a Variant of Uncertain Significance.

NM_001365088.1(SLC12A6):c.1252G>A (p.Ala418Thr)

Gene: SLC12A6 (solute carrier family 12 member 6; minus strand). Cytogenetic location: 15q14.
Variant type: single nucleotide variant.
Coding change: c.1252G>A on transcript NM_001365088.1 (MANE Select); coding-DNA position 1252, G replaced by A.
Protein change: p.Ala418Thr; replaces alanine 418 with threonine.
Molecular consequence: missense variant.
Genome position (GRCh38, 1-based): chr15:34,252,251, C>T on the plus strand (G>A on the coding strand, the complement: SLC12A6 is on the minus strand). VCF-style: chr15-34252251-C-T. GRCh37 (hg19) VCF-style: chr15-34544452-C-T.
Other names: c.1075G>A, p.Ala359Thr (NM_001042494.2, NM_001042495.2); c.1225G>A, p.Ala409Thr (NM_001042496.2); c.1207G>A, p.Ala403Thr (NM_001042497.2); c.1099G>A, p.Ala367Thr (NM_005135.2); c.1252G>A, p.Ala418Thr (NM_133647.2); short protein forms A359T, A409T, A418T, A367T, A403T.
Identifiers: ClinVar variation 4778859 (VCV004778859.1).
Genomic context (GRCh38, chr15:34,252,251, plus strand): 5'-ATCCAGGAATGCCCTGGATTGAAGTGACGTTATTGTGAACAAAGTATTCATCACAGGTGG[C>T]ATTGAAAAATTGACTCGAGTTACAGAAGAATCCCCATAACTTTGATGGGACTGTCATGTT-3'
Protein context (NP_001352017.1, residues 408-428): FFCNSSQFFN[Ala418Thr]TCDEYFVHNN